The following is an entry in ClinVar:

NM_001384474.1(LOXHD1):c.5989C>T (p.Gln1997Ter)

Gene: LOXHD1 (lipoxygenase homology PLAT domains 1; minus strand). Cytogenetic location: 18q21.1.
Variant type: single nucleotide variant.
Coding change: c.5989C>T on transcript NM_001384474.1 (MANE Select); coding-DNA position 5989, C replaced by T.
Protein change: p.Gln1997Ter; replaces glutamine 1997 with a stop codon.
Molecular consequence: nonsense.
Genome position (GRCh38, 1-based): chr18:46,489,032, G>A on the plus strand (C>T on the coding strand, the complement: LOXHD1 is on the minus strand). VCF-style: chr18-46489032-G-A. GRCh37 (hg19) VCF-style: chr18-44068995-G-A.
Other names: c.2656C>T, p.Gln886Ter (NM_001145472.3); c.706C>T, p.Gln236Ter (NM_001145473.3, NM_001173129.2); c.2368C>T, p.Gln790Ter (NM_001308013.2); c.5803C>T, p.Gln1935Ter (NM_144612.7); short protein forms Q886*, Q1935*, Q236*, Q790*, Q1997*.
Identifiers: ClinVar variation 862217 (VCV000862217.8), dbSNP rs2033273061, ClinGen allele CA402366629.
Genomic context (GRCh38, chr18:46,489,032, plus strand): 5'-TGGTCTCTTCCAGCTCATCACAGATCTTGTTGTTGGCACAGGCAAAGTCGCGGACCGTCT[G>A]CCCGTCACCCTCACTCTTGGAGAGCCAGCAGTCACACTGGAAGTGGAAGGTCTCGTCGCG-3'

ClinVar aggregate classification (germline): Pathogenic/Likely pathogenic. Review status: criteria provided, multiple submitters, no conflicts (2 of 4 stars). 2 submissions from 2 submitters: Pathogenic (1); Likely pathogenic (1). Last evaluated 2024-06-07.

Conditions:
Autosomal recessive nonsyndromic hearing loss 77. Identifiers: Orphanet 90636, MedGen C2746083, MONDO:0013119, OMIM 613079.

Allele frequency attached by ClinVar (database versions not stated): gnomAD exomes below 0.00001.
gnomAD v4.1: 1 of 1,551,684 alleles (0.000064%); highest among the groups gnomAD compares: Non-Finnish European, 0.000087%; no homozygotes.

Submissions (2):

Fulgent Genetics
Classification: Likely pathogenic for Autosomal recessive nonsyndromic hearing loss 77. Last evaluated: 2024-06-07. Review status: criteria provided, single submitter. Criteria: ACMG Guidelines, 2015. Collection method: clinical testing. Allele origin: germline.

Labcorp Genetics (formerly Invitae), Labcorp
Classification: Pathogenic. Last evaluated: 2023-01-13. Review status: criteria provided, single submitter. Criteria: Invitae Variant Classification Sherloc (09022015). Collection method: clinical testing. Allele origin: germline.
Comment: For these reasons, this variant has been classified as Pathogenic. ClinVar contains an entry for this variant (Variation ID: 862217). This variant has not been reported in the literature in individuals affected with LOXHD1-related conditions. This variant is not present in population databases (gnomAD no frequency). This sequence change creates a premature translational stop signal (p.Gln1935*) in the LOXHD1 gene. It is expected to result in an absent or disrupted protein product. Loss-of-function variants in LOXHD1 are known to be pathogenic (PMID: 19732867, 21465660, 25792669).

Literature cited by the submitters: PubMed 19732867 (cited by Labcorp Genetics (formerly Invitae), Labcorp); PubMed 21465660 (cited by Labcorp Genetics (formerly Invitae), Labcorp); PubMed 25792669 (cited by Labcorp Genetics (formerly Invitae), Labcorp).